The following is an entry in ClinVar:

NM_031220.4(PITPNM3):c.1130C>G (p.Ala377Gly)

Gene: PITPNM3 (PITPNM family member 3; minus strand). Cytogenetic location: 17p13.2.
Variant type: single nucleotide variant.
Coding change: c.1130C>G on transcript NM_031220.4 (MANE Select); coding-DNA position 1130, C replaced by G.
Protein change: p.Ala377Gly; replaces alanine 377 with glycine.
Molecular consequence: missense variant.
Genome position (GRCh38, 1-based): chr17:6,474,560, G>C on the plus strand (C>G on the coding strand, the complement: PITPNM3 is on the minus strand). VCF-style: chr17-6474560-G-C. GRCh37 (hg19) VCF-style: chr17-6377880-G-C.
Other names: c.1022C>G, p.Ala341Gly (NM_001165966.2); short protein forms A341G, A377G.
Identifiers: ClinVar variation 862037 (VCV000862037.9), dbSNP rs758781470, ClinGen allele CA8329599.

ClinVar aggregate classification (germline): Uncertain significance (1 of 4 stars; one submission).

gnomAD v4.1: 28 of 1,595,730 alleles (0.0018%); highest among the groups gnomAD compares: South Asian, 0.03%; no homozygotes.

Submission:

Labcorp Genetics (formerly Invitae), Labcorp
Classification: Uncertain significance. Last evaluated: 2022-07-18. Review status: criteria provided, single submitter. Criteria: Invitae Variant Classification Sherloc (09022015). Collection method: clinical testing. Allele origin: germline.
Comment: In summary, the available evidence is currently insufficient to determine the role of this variant in disease. Therefore, it has been classified as a Variant of Uncertain Significance. Algorithms developed to predict the effect of sequence changes on RNA splicing suggest that this variant may create or strengthen a splice site. Algorithms developed to predict the effect of missense changes on protein structure and function (SIFT, PolyPhen-2, Align-GVGD) all suggest that this variant is likely to be tolerated. ClinVar contains an entry for this variant (Variation ID: 862037). This variant has not been reported in the literature in individuals affected with PITPNM3-related conditions. This variant is present in population databases (rs758781470, gnomAD 0.02%). This sequence change replaces alanine, which is neutral and non-polar, with glycine, which is neutral and non-polar, at codon 377 of the PITPNM3 protein (p.Ala377Gly).